The following is an entry in ClinVar:

NM_000260.4(MYO7A):c.4168G>T (p.Glu1390Ter)

Gene: MYO7A (myosin VIIA; plus strand). Cytogenetic location: 11q13.5.
Variant type: single nucleotide variant.
Coding change: c.4168G>T on transcript NM_000260.4 (MANE Select); coding-DNA position 4168, G replaced by T.
Protein change: p.Glu1390Ter; replaces glutamic acid 1390 with a stop codon.
Molecular consequence: nonsense.
Genome position (GRCh38, 1-based): chr11:77,194,369, G>T. VCF-style: chr11-77194369-G-T. GRCh37 (hg19) VCF-style: chr11-76905414-G-T.
Other names: c.4168G>T, p.Glu1390Ter (NM_001127180.2); c.4135G>T, p.Glu1379Ter (NM_001369365.1); short protein forms E1379*, E1390*.
Identifiers: ClinVar variation 3382881 (VCV003382881.2).

ClinVar aggregate classification (germline): Pathogenic (1 of 4 stars; one submission).

Conditions:
Autosomal dominant nonsyndromic hearing loss 11. Identifiers: Orphanet 90635, MedGen C1832475, MONDO:0011032, OMIM 601317.
Autosomal recessive nonsyndromic hearing loss 2. Also called: DEAFNESS, AUTOSOMAL RECESSIVE 2; NEUROSENSORY NONSYNDROMIC RECESSIVE DEAFNESS 2. Identifiers: Orphanet 90636, MedGen C1838701, MONDO:0010807, OMIM 600060.
Usher syndrome type 1 (USH1). Also called: RETINITIS PIGMENTOSA AND CONGENITAL DEAFNESS. Identifiers: Orphanet 231169, Orphanet 886, MedGen C1568247, MONDO:0010168, OMIM 276900.

Submission:

Juno Genomics, Hangzhou Juno Genomics, Inc
Classification: Pathogenic for Autosomal dominant nonsyndromic hearing loss 11; Autosomal recessive nonsyndromic hearing loss 2; Usher syndrome type 1. Review status: criteria provided, single submitter. Criteria: ACMG Guidelines, 2015. Collection method: clinical testing. Allele origin: germline. Affected: yes.
Comment: Null variant in a gene where loss of function (LOF) is a known mechanism of disease.;Absent from controls (or at extremely low frequency if recessive) in Genome Aggregation Database, Exome Sequencing Project, 1000 Genomes Project, or Exome Aggregation Consortium.;For recessive disorders, detected in trans with a pathogenic variant.